The following is an entry in ClinVar:

ClinVar aggregate classification (germline): Uncertain significance (1 of 4 stars; one submission).

Conditions:
CDK13-related disorder. Also called: CDK13-related condition. Identifiers: MedGen C5816700.

gnomAD v4.1: 1 of 1,479,714 alleles (0.000068%); highest among the groups gnomAD compares: Non-Finnish European, 0.00009%; no homozygotes.

Submission:

PreventionGenetics, part of Exact Sciences
Classification: Uncertain significance for CDK13-related condition. Last evaluated: 2026-04-19. Review status: criteria provided, single submitter. Criteria: ACMG Guidelines, 2015. Collection method: clinical testing. Allele origin: germline.
Comment: The CDK13 c.4487G>T variant is predicted to result in the amino acid substitution p.Gly1496Val. To our knowledge, this variant has not been reported in the literature. This variant is reported in 0.0012% of alleles in individuals of European (Non-Finnish) descent in gnomAD. At this time, the clinical significance of this variant is uncertain due to the absence of conclusive functional and genetic evidence.

NM_003718.5(CDK13):c.4487G>T (p.Gly1496Val)

Gene: CDK13 (cyclin dependent kinase 13; plus strand). Cytogenetic location: 7p14.1.
Variant type: single nucleotide variant.
Coding change: c.4487G>T on transcript NM_003718.5 (MANE Select); coding-DNA position 4487, G replaced by T.
Protein change: p.Gly1496Val; replaces glycine 1496 with valine.
Molecular consequence: missense variant.
Genome position (GRCh38, 1-based): chr7:40,094,928, G>T. VCF-style: chr7-40094928-G-T. GRCh37 (hg19) VCF-style: chr7-40134527-G-T.
Other names: c.4307G>T, p.Gly1436Val (NM_031267.4); short protein forms G1436V, G1496V.
Identifiers: ClinVar variation 4988473 (VCV004988473.1).
Genomic context (GRCh38, chr7:40,094,928, plus strand): 5'-TGCATGGACAGACCTGGACTTCTCCTGCCCAAGGACCTGGATATTCACAAGGATACAGGG[G>T]ACATATTAGCACATCAACTGGCAGAGGCAGAGGCAGAGGGTTACCATACTGAGTATCTGT-3'
Protein context (NP_003709.3, residues 1486-1506): QGPGYSQGYR[Gly1496Val]HISTSTGRGR